The following is an entry in ClinVar:

ClinVar aggregate classification (germline): Uncertain significance (1 of 4 stars; one submission).

Conditions:
Charcot-Marie-Tooth disease type 2. Also called: Charcot-Marie-Tooth type 2. Identifiers: Orphanet 64746, MedGen C0270914, MONDO:0018993.

Submission:

Labcorp Genetics (formerly Invitae), Labcorp
Classification: Uncertain significance for Charcot-Marie-Tooth disease type 2. Last evaluated: 2024-05-31. Review status: criteria provided, single submitter. Criteria: Invitae Variant Classification Sherloc (09022015). Collection method: clinical testing. Allele origin: germline.
Comment: This sequence change replaces phenylalanine, which is neutral and non-polar, with tyrosine, which is neutral and polar, at codon 924 of the KIF1B protein (p.Phe924Tyr). This variant is not present in population databases (gnomAD no frequency). This variant has not been reported in the literature in individuals affected with KIF1B-related conditions. Advanced modeling of protein sequence and biophysical properties (such as structural, functional, and spatial information, amino acid conservation, physicochemical variation, residue mobility, and thermodynamic stability) performed at Invitae indicates that this missense variant is not expected to disrupt KIF1B protein function with a negative predictive value of 80%. Algorithms developed to predict the effect of sequence changes on RNA splicing suggest that this variant may create or strengthen a splice site. In summary, the available evidence is currently insufficient to determine the role of this variant in disease. Therefore, it has been classified as a Variant of Uncertain Significance.

NM_001365951.3(KIF1B):c.2909T>A (p.Phe970Tyr)

Genes: KIF1B (kinesin family member 1B; plus strand), LOC126805614 (BRD4-independent group 4 enhancer GRCh37_chr1:10385546-10386745; plus strand). Cytogenetic location: 1p36.22.
Variant type: single nucleotide variant.
Coding change: c.2909T>A on transcript NM_001365951.3 (MANE Select); coding-DNA position 2909, T replaced by A.
Protein change: p.Phe970Tyr; replaces phenylalanine 970 with tyrosine.
Molecular consequence: missense variant.
Genome position (GRCh38, 1-based): chr1:10,326,344, T>A. VCF-style: chr1-10326344-T-A. GRCh37 (hg19) VCF-style: chr1-10386402-T-A.
Other names: c.2909T>A, p.Phe970Tyr (NM_001365952.1); c.2771T>A, p.Phe924Tyr (NM_015074.3); short protein forms F924Y, F970Y.
Identifiers: ClinVar variation 3655097 (VCV003655097.2).
Genomic context (GRCh38, chr1:10,326,344, plus strand): 5'-AGGAGGGATCAGATCTCTTCAGTGACGGGCATGACCCGTTTTACGACCGATCCCCTTGGT[T>A]CATTTTAGTGGGAAGGTTGGTGAGGTTATTGTGAGAAAGGCGAAAAGGGACCAGCTCTTG-3'
Protein context (NP_001352880.1, residues 960-980): HDPFYDRSPW[Phe970Tyr]ILVGRAFVYL